The following is an entry in ClinVar:

ClinVar aggregate classification (germline): Pathogenic (0 of 4 stars; one submission).

Conditions:
Nephropathic cystinosis (CTNS). Also called: CYSTINOSIN, DEFECT OF; LYSOSOMAL CYSTINE TRANSPORT PROTEIN, DEFECT OF; Abderhalden Lignac Kaufmann disease; Abderhalden-Kaufmann-Lignac syndrome. Identifiers: Orphanet 213, Orphanet 411629, MedGen C2931187, MONDO:0100151, OMIM 219800.

Submission:

Research Laboratory of Human Genome and Multifactorial Diseases, Faculty of Pharmacy, University of Monastir
Classification: Pathogenic for Nephropathic cystinosis. Review status: no assertion criteria provided. Collection method: clinical testing. Allele origin: biparental. Inheritance: Autosomal recessive inheritance. Affected: yes. Observed: 1 homozygote.
Comment: This variant (c.529delA; p.Thr177fs) results in a frameshift leading to a premature stop codon. Such a mutation is expected to produce a truncated protein or trigger nonsense-mediated mRNA decay (NMD), which is a well-established pathogenic mechanism for the CTNS gene. According to ACMG criteria, the variant meets: PVS1 (null variant in a gene where loss of function is a known disease mechanism), PM2 (absent from population databases), and PP4 (highly specific phenotype). Therefore, it is classified as Pathogenic.

NM_004937.3(CTNS):c.925G>A (p.Gly309Ser)

Gene: CTNS (cystinosin, lysosomal cystine transporter; plus strand). Cytogenetic location: 17p13.2.
Variant type: single nucleotide variant.
Coding change: c.925G>A on transcript NM_004937.3 (MANE Select); coding-DNA position 925, G replaced by A.
Protein change: p.Gly309Ser; replaces glycine 309 with serine.
Molecular consequence: missense variant.
Genome position (GRCh38, 1-based): chr17:3,659,930, G>A. VCF-style: chr17-3659930-G-A. GRCh37 (hg19) VCF-style: chr17-3563224-G-A.
Other names: c.925G>A, p.Gly309Ser (NM_001031681.3, NM_001374492.1); c.484G>A, p.Gly162Ser (NM_001374493.1, NM_001374494.1, NM_001374495.1 and 1 more transcripts); short protein forms G162S, G309S.
Identifiers: ClinVar variation 4532190 (VCV004532190.1).
Genomic context (GRCh38, chr17:3,659,930, plus strand): 5'-TTTTACTACAAAAGCACTGAGGGCTGGAGCATTGGCAACGTGCTCCTGGACTTCACCGGG[G>A]GCAGCTTCAGCCTCCTGCAGATGTTCCTCCAGTCCTACAACAACGGTGAGTCAGCCAGCG-3'
Protein context (NP_004928.2, residues 299-319): IGNVLLDFTG[Gly309Ser]SFSLLQMFLQ